The following is an entry in ClinVar:

NM_206933.4(USH2A):c.6724G>A (p.Glu2242Lys)

Gene: USH2A (usherin; minus strand). Cytogenetic location: 1q41.
Variant type: single nucleotide variant.
Coding change: c.6724G>A on transcript NM_206933.4 (MANE Select); coding-DNA position 6724, G replaced by A.
Protein change: p.Glu2242Lys; replaces glutamic acid 2242 with lysine.
Molecular consequence: missense variant.
Genome position (GRCh38, 1-based): chr1:215,993,101, C>T on the plus strand (G>A on the coding strand, the complement: USH2A is on the minus strand). VCF-style: chr1-215993101-C-T. GRCh37 (hg19) VCF-style: chr1-216166443-C-T.
Other names: short protein forms E2242K.
Identifiers: ClinVar variation 667357 (VCV000667357.9), dbSNP rs375278546, ClinGen allele CA1395053.

ClinVar aggregate classification (germline): Uncertain significance. Review status: criteria provided, multiple submitters, no conflicts (2 of 4 stars). 7 submissions from 6 submitters: Uncertain significance (6). 1 of the submissions does not count toward it. Last evaluated 2024-11-20.

Conditions:
Retinitis pigmentosa 39 (RP39). Identifiers: Orphanet 791, MedGen C3151138, MONDO:0013436, OMIM 613809.
Usher syndrome type 2A. Also called: USHER SYNDROME, TYPE IIA; RETINAL DISEASE IN USHER SYNDROME TYPE IIA, MODIFIER OF. Identifiers: Orphanet 231178, Orphanet 886, MedGen C1848634, MONDO:0010169, OMIM 276901.

Allele frequency attached by ClinVar (database versions not stated): ExAC 0.00002; TOPMed 0.00002; gnomAD exomes 0.00003 and 0.00004; gnomAD 0.00006; ESP Exome Variant Server 0.00008.
gnomAD v4.1: 56 of 1,613,912 alleles (0.0035%); highest among the groups gnomAD compares: Non-Finnish European, 0.0042%; no homozygotes.

Submissions (7):

Blueprint Genetics
Classification: Uncertain significance. Last evaluated: 2024-11-20. Review status: criteria provided, single submitter. Criteria: ACMG Guidelines, 2015. Collection method: clinical testing. Allele origin: germline.

Genome-Nilou Lab
Classification: Uncertain significance for Retinitis pigmentosa 39. Last evaluated: 2023-11-04. Review status: criteria provided, single submitter. Criteria: ACMG Guidelines, 2015. Collection method: clinical testing. Allele origin: germline. Affected: no.

Genome-Nilou Lab
Classification: Uncertain significance for Usher syndrome type 2A. Last evaluated: 2023-11-04. Review status: criteria provided, single submitter. Criteria: ACMG Guidelines, 2015. Collection method: clinical testing. Allele origin: germline. Affected: no.

Labcorp Genetics (formerly Invitae), Labcorp
Classification: Uncertain significance. Last evaluated: 2022-10-05. Review status: criteria provided, single submitter. Criteria: Invitae Variant Classification Sherloc (09022015). Collection method: clinical testing. Allele origin: germline.
Comment: This sequence change replaces glutamic acid, which is acidic and polar, with lysine, which is basic and polar, at codon 2242 of the USH2A protein (p.Glu2242Lys). This variant is present in population databases (rs375278546, gnomAD 0.006%). This variant has not been reported in the literature in individuals affected with USH2A-related conditions. ClinVar contains an entry for this variant (Variation ID: 667357). Algorithms developed to predict the effect of missense changes on protein structure and function (SIFT, PolyPhen-2, Align-GVGD) all suggest that this variant is likely to be disruptive. In summary, the available evidence is currently insufficient to determine the role of this variant in disease. Therefore, it has been classified as a Variant of Uncertain Significance.

Fulgent Genetics
Classification: Uncertain significance for Usher syndrome type 2A; Retinitis pigmentosa 39. Last evaluated: 2021-07-21. Review status: criteria provided, single submitter. Criteria: ACMG Guidelines, 2015. Collection method: clinical testing. Allele origin: unknown.

Laboratory for Molecular Medicine, Mass General Brigham Personalized Medicine
Classification: Uncertain significance. Last evaluated: 2018-10-10. Review status: criteria provided, single submitter. Criteria: LMM Criteria. Collection method: clinical testing. Allele origin: germline. Observed: 1 variant allele.
Comment: The p.Glu2242Lys variant in USH2A has not been previously reported in individual s with hearing loss or Usher syndrome, but has been identified in 8/126404 Europ ean chromosomes by gnomAD. Computational pred iction tools and conservation analysis do not provide strong support for or agai nst an impact to the protein. In summary, the clinical significance of this vari ant is uncertain. ACMG/AMP Criteria applied: PM2_Supporting.

Natera, Inc.
Classification: Uncertain significance for Usher syndrome type 2A. Last evaluated: 2020-02-26. Review status: no assertion criteria provided. Collection method: clinical testing. Allele origin: germline. Not counted in ClinVar's aggregate classification.